The following is an entry in ClinVar:

NM_000156.6(GAMT):c.609G>A (p.Arg203=)

Gene: GAMT (guanidinoacetate N-methyltransferase; minus strand). Cytogenetic location: 19p13.3.
Variant type: single nucleotide variant.
Coding change: c.609G>A on transcript NM_000156.6 (MANE Select); coding-DNA position 609, G replaced by A.
Protein change: p.Arg203=; no amino-acid change (arginine 203 retained).
Molecular consequence: synonymous variant.
Genome position (GRCh38, 1-based): chr19:1,397,461, C>T on the plus strand (G>A on the coding strand, the complement: GAMT is on the minus strand). VCF-style: chr19-1397461-C-T. GRCh37 (hg19) VCF-style: chr19-1397460-C-T.
Identifiers: ClinVar variation 2648920 (VCV002648920.24), dbSNP rs2512221400, ClinGen allele CA2576548577.

ClinVar aggregate classification (germline): Likely benign (1 of 4 stars; one submission).

Allele frequency attached by ClinVar (database versions not stated): gnomAD exomes below 0.00001.
gnomAD v4.1: 1 of 1,608,902 alleles (0.000062%); highest among the groups gnomAD compares: Non-Finnish European, 0.000085%; no homozygotes.

Submission:

CeGaT Center for Human Genetics Tuebingen
Classification: Likely benign. Last evaluated: 2023-07-01. Review status: criteria provided, single submitter. Criteria: CeGaT Center For Human Genetics Tuebingen Variant Classification Criteria Version 2. Collection method: clinical testing. Allele origin: germline. Affected: yes. Observed: 1 variant allele.
Comment: GAMT: PM2:Supporting, BP4, BP7